The following is an entry in ClinVar:

ClinVar aggregate classification (germline): Uncertain significance (1 of 4 stars; one submission).

Conditions:
Ehlers-Danlos syndrome, classic type, 1 (EDSCL1). Also called: EHLERS-DANLOS SYNDROME, GRAVIS TYPE; EHLERS-DANLOS SYNDROME, SEVERE CLASSIC TYPE; Ehlers-Danlos syndrome, type 1; Ehlers-Danlos Syndrome, Classic Type, COL5A1-Related; EDS I. Identifiers: MedGen C0268335, MONDO:0019567, OMIM 130000.

gnomAD v4.1: 7 of 1,613,748 alleles (0.00043%); highest among the groups gnomAD compares: Middle Eastern, 0.017%; no homozygotes.

Submission:

Labcorp Genetics (formerly Invitae), Labcorp
Classification: Uncertain significance for Ehlers-Danlos syndrome, classic type, 1. Last evaluated: 2024-07-31. Review status: criteria provided, single submitter. Criteria: Invitae Variant Classification Sherloc (09022015). Collection method: clinical testing. Allele origin: germline.
Comment: This sequence change replaces alanine, which is neutral and non-polar, with glutamic acid, which is acidic and polar, at codon 914 of the COL5A2 protein (p.Ala914Glu). This variant is not present in population databases (gnomAD no frequency). This variant has not been reported in the literature in individuals affected with COL5A2-related conditions. Advanced modeling of protein sequence and biophysical properties (such as structural, functional, and spatial information, amino acid conservation, physicochemical variation, residue mobility, and thermodynamic stability) performed at Invitae indicates that this missense variant is not expected to disrupt COL5A2 protein function with a negative predictive value of 80%. In summary, the available evidence is currently insufficient to determine the role of this variant in disease. Therefore, it has been classified as a Variant of Uncertain Significance.

NM_000393.5(COL5A2):c.2741C>A (p.Ala914Glu)

Gene: COL5A2 (collagen type V alpha 2 chain; minus strand). Cytogenetic location: 2q32.2.
Variant type: single nucleotide variant.
Coding change: c.2741C>A on transcript NM_000393.5 (MANE Select); coding-DNA position 2741, C replaced by A.
Protein change: p.Ala914Glu; replaces alanine 914 with glutamic acid.
Molecular consequence: missense variant.
Genome position (GRCh38, 1-based): chr2:189,052,200, G>T on the plus strand (C>A on the coding strand, the complement: COL5A2 is on the minus strand). VCF-style: chr2-189052200-G-T. GRCh37 (hg19) VCF-style: chr2-189916926-G-T.
Other names: short protein forms A914E.
Identifiers: ClinVar variation 3616496 (VCV003616496.2).
Genomic context (GRCh38, chr2:189,052,200, plus strand): 5'-TATCAGTGACTTGTCTCACTAAGTTGACTTACAGCAGGGCCTGGAGGTCCAACTCTGCCC[G>T]CAGAACCAGGAAATCCTGTAGCACCCTAGAACCAGAATATCATATAAGCAATTTTTAAGG-3'
Protein context (NP_000384.2, residues 904-924): PPGATGFPGS[Ala914Glu]GRVGPPGPAG